The following is an entry in ClinVar:

ClinVar aggregate classification (germline): Uncertain significance (1 of 4 stars; one submission).

gnomAD v4.1: 2 of 1,614,194 alleles (0.00012%); highest among the groups gnomAD compares: Non-Finnish European, 0.00017%; no homozygotes.

Submission:

Mayo Clinic Laboratories, Mayo Clinic
Classification: Uncertain significance. Last evaluated: 2024-06-05. Review status: criteria provided, single submitter. Criteria: ACMG Guidelines, 2015. Collection method: clinical testing. Allele origin: germline. Observed: 1 variant allele.
Comment: BP4, PM2

NM_025137.4(SPG11):c.1339G>A (p.Gly447Ser)

Gene: SPG11 (SPG11 vesicle trafficking associated, spatacsin; minus strand). Cytogenetic location: 15q21.1.
Variant type: single nucleotide variant.
Coding change: c.1339G>A on transcript NM_025137.4 (MANE Select); coding-DNA position 1339, G replaced by A.
Protein change: p.Gly447Ser; replaces glycine 447 with serine.
Molecular consequence: missense variant.
Genome position (GRCh38, 1-based): chr15:44,651,608, C>T on the plus strand (G>A on the coding strand, the complement: SPG11 is on the minus strand). VCF-style: chr15-44651608-C-T. GRCh37 (hg19) VCF-style: chr15-44943806-C-T.
Other names: p.Gly447Ser; c.1339G>A, p.Gly447Ser (NM_001160227.2, NM_001411132.1); short protein forms G447S.
Identifiers: ClinVar variation 3380279 (VCV003380279.1).